The following is an entry in ClinVar:

ClinVar aggregate classification (germline): Uncertain significance. Review status: criteria provided, multiple submitters, no conflicts (2 of 4 stars). 3 submissions from 3 submitters: Uncertain significance (3). Last evaluated 2023-01-20.

Conditions:
Ehlers-Danlos syndrome, classic type, 1 (EDSCL1). Also called: Ehlers-Danlos Syndrome, Classic Type, COL5A1-Related; EDS I; Ehlers-Danlos syndrome, type 1; EHLERS-DANLOS SYNDROME, GRAVIS TYPE; EHLERS-DANLOS SYNDROME, SEVERE CLASSIC TYPE. Identifiers: MedGen C0268335, MONDO:0019567, OMIM 130000.
Familial thoracic aortic aneurysm and aortic dissection (TAAD). Also called: Thoracic aortic aneurysms and dissections. Identifiers: Orphanet 91387, MedGen C4707243, MONDO:0019625.

Allele frequency attached by ClinVar (database versions not stated): gnomAD exomes 0.00001.
gnomAD v4.1: 23 of 1,613,834 alleles (0.0014%); highest among the groups gnomAD compares: Non-Finnish European, 0.0018%; no homozygotes.

Submissions (3):

Labcorp Genetics (formerly Invitae), Labcorp
Classification: Uncertain significance for Ehlers-Danlos syndrome, classic type, 1. Last evaluated: 2023-01-20. Review status: criteria provided, single submitter. Criteria: Invitae Variant Classification Sherloc (09022015). Collection method: clinical testing. Allele origin: germline.
Comment: This sequence change replaces glycine, which is neutral and non-polar, with serine, which is neutral and polar, at codon 781 of the COL5A2 protein (p.Gly781Ser). In summary, the available evidence is currently insufficient to determine the role of this variant in disease. Therefore, it has been classified as a Variant of Uncertain Significance. Algorithms developed to predict the effect of sequence changes on RNA splicing suggest that this variant may create or strengthen a splice site. Advanced modeling of protein sequence and biophysical properties (such as structural, functional, and spatial information, amino acid conservation, physicochemical variation, residue mobility, and thermodynamic stability) performed at Invitae indicates that this missense variant is not expected to disrupt COL5A2 protein function. ClinVar contains an entry for this variant (Variation ID: 519690). This variant has not been reported in the literature in individuals affected with COL5A2-related conditions. This variant is not present in population databases (gnomAD no frequency).

GeneDx
Classification: Uncertain significance. Last evaluated: 2021-11-08. Review status: criteria provided, single submitter. Criteria: GeneDx Variant Classification Process June 2021. Collection method: clinical testing. Allele origin: germline. Affected: yes.
Comment: Not observed in large population cohorts (Lek et al., 2016); In silico analysis, which includes protein predictors and evolutionary conservation, supports that this variant does not alter protein structure/function; Has not been previously published as pathogenic or benign to our knowledge

Ambry Genetics
Classification: Uncertain significance for Familial thoracic aortic aneurysm and aortic dissection. Last evaluated: 2017-05-25. Review status: criteria provided, single submitter. Criteria: Ambry Variant Classification Scheme 2023. Collection method: clinical testing. Allele origin: germline.
Comment: The p.G781S variant (also known as c.2341G>A), located in coding exon 35 of the COL5A2 gene, results from a G to A substitution at nucleotide position 2341. The glycine at codon 781 is replaced by serine, an amino acid with similar properties. This amino acid position is not well conserved in available vertebrate species, and serine is the reference amino acid in other vertebrate species. In addition, this alteration is predicted to be tolerated by in silico analysis. Since supporting evidence is limited at this time, the clinical significance of this alteration remains unclear.

NM_000393.5(COL5A2):c.2341G>A (p.Gly781Ser)

Gene: COL5A2 (collagen type V alpha 2 chain; minus strand). Cytogenetic location: 2q32.2.
Variant type: single nucleotide variant.
Coding change: c.2341G>A on transcript NM_000393.5 (MANE Select); coding-DNA position 2341, G replaced by A.
Protein change: p.Gly781Ser; replaces glycine 781 with serine.
Molecular consequence: missense variant.
Genome position (GRCh38, 1-based): chr2:189,057,023, C>T on the plus strand (G>A on the coding strand, the complement: COL5A2 is on the minus strand). VCF-style: chr2-189057023-C-T. GRCh37 (hg19) VCF-style: chr2-189921749-C-T.
Other names: short protein forms G781S.
Identifiers: ClinVar variation 519690 (VCV000519690.10), dbSNP rs781215270, ClinGen allele CA62599202.